The following is an entry in ClinVar:

ClinVar aggregate classification (germline): Uncertain significance (1 of 4 stars; one submission).

gnomAD v4.1: 2 of 1,614,232 alleles (0.00012%); highest among the groups gnomAD compares: South Asian, 0.0022%; no homozygotes.

Submission:

Labcorp Genetics (formerly Invitae), Labcorp
Classification: Uncertain significance. Last evaluated: 2022-06-18. Review status: criteria provided, single submitter. Criteria: Invitae Variant Classification Sherloc (09022015). Collection method: clinical testing. Allele origin: germline.
Comment: In summary, the available evidence is currently insufficient to determine the role of this variant in disease. Therefore, it has been classified as a Variant of Uncertain Significance. Algorithms developed to predict the effect of missense changes on protein structure and function are either unavailable or do not agree on the potential impact of this missense change (SIFT: "Tolerated"; PolyPhen-2: "Possibly Damaging"; Align-GVGD: "Class C0"). This variant has not been reported in the literature in individuals affected with IRF2BP2-related conditions. This variant is present in population databases (no rsID available, gnomAD 0.003%). This sequence change replaces asparagine, which is neutral and polar, with serine, which is neutral and polar, at codon 454 of the IRF2BP2 protein (p.Asn454Ser).

NM_182972.3(IRF2BP2):c.1361A>G (p.Asn454Ser)

Gene: IRF2BP2 (interferon regulatory factor 2 binding protein 2; minus strand). Cytogenetic location: 1q42.3.
Variant type: single nucleotide variant.
Coding change: c.1361A>G on transcript NM_182972.3 (MANE Select); coding-DNA position 1361, A replaced by G.
Protein change: p.Asn454Ser; replaces asparagine 454 with serine.
Molecular consequence: missense variant.
Genome position (GRCh38, 1-based): chr1:234,607,540, T>C on the plus strand (A>G on the coding strand, the complement: IRF2BP2 is on the minus strand). VCF-style: chr1-234607540-T-C. GRCh37 (hg19) VCF-style: chr1-234743286-T-C.
Other names: c.1313A>G, p.Asn438Ser (NM_001077397.1); short protein forms N438S, N454S.
Identifiers: ClinVar variation 2008030 (VCV002008030.4), dbSNP rs770166969, ClinGen allele CA345305870.